The following is an entry in ClinVar:

NM_000719.7(CACNA1C):c.5122A>G (p.Ser1708Gly)

Genes: CACNA1C (calcium voltage-gated channel subunit alpha1 C; plus strand), CACNA1C-AS1 (CACNA1C antisense RNA 1; minus strand). Cytogenetic location: 12p13.33.
Variant type: single nucleotide variant.
Coding change: c.5122A>G on transcript NM_000719.7 (MANE Select); coding-DNA position 5122, A replaced by G.
Protein change: p.Ser1708Gly; replaces serine 1708 with glycine.
Molecular consequence: missense variant.
Genome position (GRCh38, 1-based): chr12:2,679,474, A>G. VCF-style: chr12-2679474-A-G. GRCh37 (hg19) VCF-style: chr12-2788640-A-G.
Other names: c.5266A>G, p.Ser1756Gly (NM_001129827.2, NM_199460.4); c.5245A>G, p.Ser1749Gly (NM_001129829.2); c.5122A>G, p.Ser1708Gly (NM_001129830.3, NM_001129840.2, NM_001129841.2 and 4 more transcripts); c.5206A>G, p.Ser1736Gly (NM_001129831.2); c.5182A>G, p.Ser1728Gly (NM_001129832.2); c.5179A>G, p.Ser1727Gly (NM_001129833.2, NM_001129834.2, NM_001129835.2); c.5173A>G, p.Ser1725Gly (NM_001129836.2); c.5146A>G, p.Ser1716Gly (NM_001129837.2, NM_001129838.2); and 3 more; short protein forms S1697G, S1705G, S1708G, S1714G, S1716G, S1725G, S1727G, S1728G.
Identifiers: ClinVar variation 3338711 (VCV003338711.1).

ClinVar aggregate classification (germline): Uncertain significance (1 of 4 stars; one submission).

Submission:

GeneDx
Classification: Uncertain significance. Last evaluated: 2023-12-21. Review status: criteria provided, single submitter. Criteria: GeneDx Variant Classification Process June 2021. Collection method: clinical testing. Allele origin: germline. Affected: yes.
Comment: Has not been previously published as pathogenic or benign to our knowledge; Not observed at significant frequency in large population cohorts (gnomAD); In silico analysis supports that this missense variant does not alter protein structure/function